The following is an entry in ClinVar:

ClinVar aggregate classification (germline): Uncertain significance (1 of 4 stars; one submission).

Conditions:
Joubert syndrome 23 (JBTS23). Identifiers: Orphanet 475, MedGen C4084822, MONDO:0014664, OMIM 616490.
Short-rib thoracic dysplasia 14 with polydactyly (SRTD14). Identifiers: Orphanet 397715, MedGen C4225286, MONDO:0014688, OMIM 616546.

Allele frequency attached by ClinVar (database versions not stated): TOPMed below 0.00001; ExAC 0.00001; gnomAD exomes 0.00001.
gnomAD v4.1: 4 of 1,605,068 alleles (0.00025%); highest among the groups gnomAD compares: Non-Finnish European, 0.00034%; no homozygotes.

Submission:

Labcorp Genetics (formerly Invitae), Labcorp
Classification: Uncertain significance for Joubert syndrome 23; Short-rib thoracic dysplasia 14 with polydactyly. Last evaluated: 2021-10-21. Review status: criteria provided, single submitter. Criteria: Invitae Variant Classification Sherloc (09022015). Collection method: clinical testing. Allele origin: germline.
Comment: In summary, the available evidence is currently insufficient to determine the role of this variant in disease. Therefore, it has been classified as a Variant of Uncertain Significance. Algorithms developed to predict the effect of missense changes on protein structure and function are either unavailable or do not agree on the potential impact of this missense change (SIFT: "Deleterious"; PolyPhen-2: "Benign"; Align-GVGD: "Class C0"). This variant has not been reported in the literature in individuals affected with KIAA0586-related conditions. This variant is present in population databases (rs757196467, gnomAD 0.002%). This sequence change replaces aspartic acid, which is acidic and polar, with asparagine, which is neutral and polar, at codon 519 of the KIAA0586 protein (p.Asp519Asn).

NM_001329943.3(KIAA0586):c.1396G>A (p.Asp466Asn)

Gene: KIAA0586 (KIAA0586; plus strand). Cytogenetic location: 14q23.1.
Variant type: single nucleotide variant.
Coding change: c.1396G>A on transcript NM_001329943.3 (MANE Select); coding-DNA position 1396, G replaced by A.
Protein change: p.Asp466Asn; replaces aspartic acid 466 with asparagine.
Molecular consequence: missense variant.
Genome position (GRCh38, 1-based): chr14:58,457,792, G>A. VCF-style: chr14-58457792-G-A. GRCh37 (hg19) VCF-style: chr14-58924510-G-A.
Other names: c.1141G>A, p.Asp381Asn (NM_001329945.2, NM_001364700.1, NM_001364701.2 and 1 more transcripts); c.1396G>A, p.Asp466Asn (NM_001329946.2, NM_001329947.2, NM_014749.5 and 1 more transcripts); c.1555G>A, p.Asp519Asn (NM_001244189.2); c.1351G>A, p.Asp451Asn (NM_001244190.2); c.1264G>A, p.Asp422Asn (NM_001244192.2); c.976G>A, p.Asp326Asn (NM_001244193.2); short protein forms D519N, D381N, D422N, D451N, D326N, D466N.
Identifiers: ClinVar variation 1411381 (VCV001411381.6), dbSNP rs757196467, ClinGen allele CA7205651.